The following is an entry in ClinVar:

ClinVar aggregate classification (germline): Benign/Likely benign. Review status: criteria provided, multiple submitters, no conflicts (2 of 4 stars). 11 submissions from 11 submitters: Benign (5); Likely benign (6). Last evaluated 2026-06-12.

Conditions:
Inborn genetic diseases. Identifiers: MedGen C0950123, MeSH D030342.
Charcot-Marie-Tooth disease axonal type 2S. Also called: CHARCOT-MARIE-TOOTH DISEASE, AXONAL, AUTOSOMAL RECESSIVE, TYPE 2S; CHARCOT-MARIE-TOOTH NEUROPATHY, TYPE 2S. Identifiers: Orphanet 443073, MedGen C4015349, MONDO:0014511, OMIM 616155.
Autosomal recessive distal spinal muscular atrophy 1. Also called: NEURONOPATHY, DISTAL HEREDITARY MOTOR, HARDING TYPE VI; NEUROPATHY, DISTAL HEREDITARY MOTOR, AUTOSOMAL RECESSIVE 1; NEURONOPATHY, SEVERE INFANTILE AXONAL, WITH RESPIRATORY FAILURE; SEVERE INFANTILE AXONAL NEUROPATHY WITH RESPIRATORY FAILURE; SPINAL MUSCULAR ATROPHY, DIAPHRAGMATIC; Spinal muscular atrophy with respiratory distress 1. Identifiers: Orphanet 98920, MedGen C1858517, MONDO:0011436, OMIM 604320.
Charcot-Marie-Tooth disease. Also called: Charcot-Marie-Tooth Hereditary Neuropathy; Charcot-Marie-Tooth Neuropathy. Identifiers: Orphanet 166, MedGen C0007959, MONDO:0015626.

Allele frequency attached by ClinVar (database versions not stated): gnomAD exomes 0.00034 and 0.00089; ExAC 0.00122; 1000 Genomes Project 30x 0.00344; 1000 Genomes Project 0.00359; gnomAD 0.00367 and 0.00398; TOPMed 0.00416; ESP Exome Variant Server 0.00508.
gnomAD v4.1: 1,064 of 1,614,170 alleles (0.066%); highest among the groups gnomAD compares: African/African-American, 1.3%; 6 homozygotes.

Submissions (11):

Women's Health and Genetics/Laboratory Corporation of America, LabCorp
Classification: Likely benign. Last evaluated: 2026-06-12. Review status: criteria provided, single submitter. Criteria: LabCorp Variant Classification Summary - May 2015. Collection method: clinical testing. Allele origin: germline.

Labcorp Genetics (formerly Invitae), Labcorp
Classification: Benign for Autosomal recessive distal spinal muscular atrophy 1; Charcot-Marie-Tooth disease axonal type 2S. Last evaluated: 2026-02-02. Review status: criteria provided, single submitter. Criteria: Invitae Variant Classification Sherloc (09022015). Collection method: clinical testing. Allele origin: germline.

Blueprint Genetics
Classification: Likely benign. Last evaluated: 2024-09-02. Review status: criteria provided, single submitter. Criteria: ACMG Guidelines, 2015. Collection method: clinical testing. Allele origin: germline.

CeGaT Center for Human Genetics Tuebingen
Classification: Benign. Last evaluated: 2023-04-01. Review status: criteria provided, single submitter. Criteria: CeGaT Center For Human Genetics Tuebingen Variant Classification Criteria Version 2. Collection method: clinical testing. Allele origin: germline. Affected: yes. Observed: 1 variant allele.
Comment: IGHMBP2: BP4, BP7, BS1, BS2

Fulgent Genetics
Classification: Likely benign for Autosomal recessive distal spinal muscular atrophy 1; Charcot-Marie-Tooth disease axonal type 2S. Last evaluated: 2021-09-16. Review status: criteria provided, single submitter. Criteria: ACMG Guidelines, 2015. Collection method: clinical testing. Allele origin: unknown.

Ambry Genetics
Classification: Likely benign for Inborn genetic diseases. Last evaluated: 2019-07-11. Review status: criteria provided, single submitter. Criteria: Ambry Variant Classification Scheme 2023. Collection method: clinical testing. Allele origin: germline.

Mayo Clinic Laboratories, Mayo Clinic
Classification: Benign. Last evaluated: 2019-02-13. Review status: criteria provided, single submitter. Criteria: ACMG Guidelines, 2015. Collection method: clinical testing. Allele origin: germline. Observed: 6 variant alleles.

ARUP Laboratories, Molecular Genetics and Genomics, ARUP Laboratories
Classification: Benign. Last evaluated: 2018-08-09. Review status: criteria provided, single submitter. Criteria: ARUP Molecular Germline Variant Investigation Process. Collection method: clinical testing. Allele origin: germline.

GeneDx
Classification: Benign. Last evaluated: 2017-09-12. Review status: criteria provided, single submitter. Criteria: GeneDx Variant Classification (06012015). Collection method: clinical testing. Allele origin: germline. Affected: yes.
Comment: This variant is considered likely benign or benign based on one or more of the following criteria: it is a conservative change, it occurs at a poorly conserved position in the protein, it is predicted to be benign by multiple in silico algorithms, and/or has population frequency not consistent with disease.

Breakthrough Genomics
Classification: Likely benign. Review status: criteria provided, single submitter. Criteria: ACMG Guidelines, 2015. Collection method: not provided. Allele origin: germline. Inheritance: Autosomal recessive inheritance. Affected: yes.

Molecular Genetics Laboratory, London Health Sciences Centre
Classification: Likely benign for Charcot-Marie-Tooth disease. Review status: criteria provided, single submitter. Criteria: ACMG Guidelines, 2015. Collection method: clinical testing. Allele origin: germline. Affected: yes.

NM_002180.3(IGHMBP2):c.1770T>C (p.Phe590=)

Gene: IGHMBP2 (immunoglobulin mu DNA binding protein 2; plus strand). Cytogenetic location: 11q13.3.
Variant type: single nucleotide variant.
Coding change: c.1770T>C on transcript NM_002180.3 (MANE Select); coding-DNA position 1770, T replaced by C.
Protein change: p.Phe590=; no amino-acid change (phenylalanine 590 retained).
Molecular consequence: synonymous variant.
Genome position (GRCh38, 1-based): chr11:68,936,250, T>C. VCF-style: chr11-68936250-T-C. GRCh37 (hg19) VCF-style: chr11-68703718-T-C.
Other names: p.Phe590=.
Identifiers: ClinVar variation 386158 (VCV000386158.53), dbSNP rs138997061, ClinGen allele CA6153774.